The following is an entry in ClinVar:

GRCh37/hg19 7p14.3(chr7:33134559-33139024)x3

Gene: RP9 (RP9 pre-mRNA splicing factor; minus strand). Cytogenetic location: 7p14.3.
Variant type: copy number gain.
Change: copy number 3 (three copies instead of two) of chr7:33,134,559-33,139,024 (4.5 kb, GRCh37 coordinates, 1-based), cytogenetic band 7p14.3.
Identifiers: ClinVar variation 394705 (VCV000394705.3).

ClinVar aggregate classification (germline): Benign/Likely benign (0 of 4 stars; one submission).

Submission:

ISCA Site 6
Classification: Benign/Likely benign. Review status: no assertion criteria provided. Collection method: clinical testing. Allele origin: unknown. Affected: yes. Observed: 2 variant alleles.
Comment: Likely benign (1), Benign (1)

Copy number variation identified through the course of routine clinical cytogenomic testing in postnatal populations, with clinical assertions as classified by the original submitter. For data from the original published study, Kaminsky, et al. 2011 (PubMed 21844811), please see nstd101.